The following is an entry in ClinVar:

NM_013338.5(ALG5):c.925C>T (p.Arg309Ter)

Gene: ALG5 (ALG5 dolichyl-phosphate beta-glucosyltransferase; minus strand). Cytogenetic location: 13q13.3.
Variant type: single nucleotide variant.
Coding change: c.925C>T on transcript NM_013338.5 (MANE Select); coding-DNA position 925, C replaced by T.
Protein change: p.Arg309Ter; replaces arginine 309 with a stop codon.
Molecular consequence: nonsense.
Genome position (GRCh38, 1-based): chr13:36,949,992, G>A on the plus strand (C>T on the coding strand, the complement: ALG5 is on the minus strand). VCF-style: chr13-36949992-G-A. GRCh37 (hg19) VCF-style: chr13-37524129-G-A.
Other names: c.835C>T, p.Arg279Ter (NM_001142364.1); short protein forms R279*, R309*.
Identifiers: ClinVar variation 3907697 (VCV003907697.1).
Genomic context (GRCh38, chr13:36,949,992, plus strand): 5'-TGCAAACAACCTAATTCATTTTCCGAGTTTGCTCAAGCCTCCAGGCACCAGTCAAATATC[G>A]AAGTCGTATAAAAAGTAGGTCTTTACCCATTTGTAGCCAGCTCCAGAATGGAACTAATTT-3'

ClinVar aggregate classification (germline): Uncertain significance (1 of 4 stars; one submission).

Conditions:
Polycystic kidney disease 7 (PKD7). Identifiers: MedGen C5774222, MONDO:0031062, OMIM 620056.

gnomAD v4.1: 3 of 1,613,262 alleles (0.00019%); highest among the groups gnomAD compares: South Asian, 0.0011%; no homozygotes.

Submission:

MVZ Medizinische Genetik Mainz
Classification: Uncertain significance for Polycystic kidney disease 7. Last evaluated: 2025-05-21. Review status: criteria provided, single submitter. Criteria: UK Practice Guidelines For Variant Classification V4 01 2020. Collection method: clinical testing. Allele origin: germline. Inheritance: Autosomal dominant inheritance. Affected: yes. Observed: 1 variant allele.
Comment: ACMG Criteria: PVS1_MOD,PM2_SUP